The following is an entry in ClinVar:

ClinVar aggregate classification (germline): Uncertain significance (1 of 4 stars; one submission).

Conditions:
Hereditary cancer-predisposing syndrome. Also called: Neoplastic Syndromes, Hereditary; Tumor predisposition; Hereditary neoplastic syndrome; Hereditary Cancer Syndrome. Identifiers: Orphanet 140162, MedGen C0027672, MeSH D009386, MONDO:0015356.

Submission:

Ambry Genetics
Classification: Uncertain significance for Hereditary cancer-predisposing syndrome. Last evaluated: 2024-03-09. Review status: criteria provided, single submitter. Criteria: Ambry Variant Classification Scheme 2023. Collection method: clinical testing. Allele origin: germline.
Comment: The p.E85Q variant (also known as c.253G>C), located in coding exon 2 of the KIT gene, results from a G to C substitution at nucleotide position 253. The glutamic acid at codon 85 is replaced by glutamine, an amino acid with highly similar properties. This amino acid position is conserved. In addition, this alteration is predicted to be tolerated by in silico analysis. Based on the available evidence, the clinical significance of this alteration remains unclear.

NM_000222.3(KIT):c.253G>C (p.Glu85Gln)

Gene: KIT (KIT proto-oncogene, receptor tyrosine kinase; plus strand). Cytogenetic location: 4q12.
Variant type: single nucleotide variant.
Coding change: c.253G>C on transcript NM_000222.3 (MANE Select); coding-DNA position 253, G replaced by C.
Protein change: p.Glu85Gln; replaces glutamic acid 85 with glutamine.
Molecular consequence: missense variant.
Genome position (GRCh38, 1-based): chr4:54,695,697, G>C. VCF-style: chr4-54695697-G-C. GRCh37 (hg19) VCF-style: chr4-55561863-G-C.
Other names: c.253G>C, p.Glu85Gln (NM_001093772.2, NM_001385284.1, NM_001385285.1 and 4 more transcripts); short protein forms E85Q.
Identifiers: ClinVar variation 3230672 (VCV003230672.1), dbSNP rs2109662322, ClinGen allele CA356897171.